The following is an entry in ClinVar:

ClinVar aggregate classification (germline): Uncertain significance. Review status: criteria provided, multiple submitters, no conflicts (2 of 4 stars). 3 submissions from 3 submitters: Uncertain significance (3). Last evaluated 2021-11-15.

Conditions:
Inborn genetic diseases. Identifiers: MedGen C0950123, MeSH D030342.
Fanconi anemia (FA). Also called: Fanconi's anemia. Identifiers: Orphanet 84, MedGen C0015625, MeSH D005199, MONDO:0019391.

Allele frequency attached by ClinVar (database versions not stated): gnomAD exomes 0.00001 and 0.00003; gnomAD 0.00002 and 0.00003; ExAC 0.00003; TOPMed 0.00004.
gnomAD v4.1: 14 of 1,609,794 alleles (0.00087%); highest among the groups gnomAD compares: Admixed American, 0.0067%; no homozygotes.

Submissions (3):

Sema4
Classification: Uncertain significance for Fanconi anemia. Last evaluated: 2021-11-15. Review status: criteria provided, single submitter. Criteria: Sema4 Curation Guidelines. Collection method: curation. Allele origin: germline.
Comment: The SLX4 c.4406C>T (p.S1469F) variant has not been reported in the literature to our knowledge. It was observed in 3/16170 chromosomes of the African/African American subpopulation in the large and broad cohorts of the Genome Aggregation Database (PMID: 32461654). The variant has been reported in ClinVar (Variation ID 846055). In silico tools suggest the impact of the variant on protein function is benign, though these predictions have not been confirmed by functional studies. The evidence is insufficient to meet ACMG/AMP criteria for classifying the variant as benign or pathogenic. Thus, the clinical significance of this variant is currently uncertain.

Ambry Genetics
Classification: Uncertain significance for Inborn genetic diseases. Last evaluated: 2021-10-06. Review status: criteria provided, single submitter. Criteria: Ambry Variant Classification Scheme 2023. Collection method: clinical testing. Allele origin: germline.

Labcorp Genetics (formerly Invitae), Labcorp
Classification: Uncertain significance for Fanconi anemia. Last evaluated: 2021-08-26. Review status: criteria provided, single submitter. Criteria: Invitae Variant Classification Sherloc (09022015). Collection method: clinical testing. Allele origin: germline.
Comment: This sequence change replaces serine with phenylalanine at codon 1469 of the SLX4 protein (p.Ser1469Phe). The serine residue is moderately conserved and there is a large physicochemical difference between serine and phenylalanine. This variant is present in population databases (rs759045352, ExAC 0.03%). This variant has not been reported in the literature in individuals affected with SLX4-related conditions. Algorithms developed to predict the effect of missense changes on protein structure and function are either unavailable or do not agree on the potential impact of this missense change (SIFT: "Deleterious"; PolyPhen-2: "Probably Damaging"; Align-GVGD: "Class C0"). In summary, the available evidence is currently insufficient to determine the role of this variant in disease. Therefore, it has been classified as a Variant of Uncertain Significance.

NM_032444.4(SLX4):c.4406C>T (p.Ser1469Phe)

Gene: SLX4 (SLX4 structure-specific endonuclease subunit; minus strand). Cytogenetic location: 16p13.3.
Variant type: single nucleotide variant.
Coding change: c.4406C>T on transcript NM_032444.4 (MANE Select); coding-DNA position 4406, C replaced by T.
Protein change: p.Ser1469Phe; replaces serine 1469 with phenylalanine.
Molecular consequence: missense variant.
Genome position (GRCh38, 1-based): chr16:3,589,232, G>A on the plus strand (C>T on the coding strand, the complement: SLX4 is on the minus strand). VCF-style: chr16-3589232-G-A. GRCh37 (hg19) VCF-style: chr16-3639233-G-A.
Other names: short protein forms S1469F.
Identifiers: ClinVar variation 846055 (VCV000846055.10), dbSNP rs759045352, ClinGen allele CA7865650.